The following is an entry in ClinVar:

NM_003737.4(DCHS1):c.3409A>G (p.Asn1137Asp)

Gene: DCHS1 (dachsous cadherin-related 1; minus strand). Cytogenetic location: 11p15.4.
Variant type: single nucleotide variant.
Coding change: c.3409A>G on transcript NM_003737.4 (MANE Select); coding-DNA position 3409, A replaced by G.
Protein change: p.Asn1137Asp; replaces asparagine 1137 with aspartic acid.
Molecular consequence: missense variant.
Genome position (GRCh38, 1-based): chr11:6,632,103, T>C on the plus strand (A>G on the coding strand, the complement: DCHS1 is on the minus strand). VCF-style: chr11-6632103-T-C. GRCh37 (hg19) VCF-style: chr11-6653334-T-C.
Other names: short protein forms N1137D.
Identifiers: ClinVar variation 3252176 (VCV003252176.1), dbSNP rs2493828412.

ClinVar aggregate classification (germline): Uncertain significance (1 of 4 stars; one submission).

Submission:

GeneDx
Classification: Uncertain significance. Last evaluated: 2024-05-30. Review status: criteria provided, single submitter. Criteria: GeneDx Variant Classification Process June 2021. Collection method: clinical testing. Allele origin: germline. Affected: yes.
Comment: Not observed at significant frequency in large population cohorts (gnomAD); In silico analysis supports that this missense variant has a deleterious effect on protein structure/function; Has not been previously published as pathogenic or benign to our knowledge